The following is an entry in ClinVar:

ClinVar aggregate classification (germline): Likely pathogenic (1 of 4 stars; one submission).

Conditions:
Osteogenesis imperfecta type I (OI1). Also called: Lobstein's Disease; Classic Non-deforming Osteogenesis Imperfecta with Blue Sclerae; OI, TYPE I; OSTEOGENESIS IMPERFECTA TARDA; OSTEOGENESIS IMPERFECTA WITH BLUE SCLERAE; Osteogenesis imperfecta type 1. Identifiers: Orphanet 216796, Orphanet 666, MedGen C0023931, MONDO:0008146, OMIM 166200. Disease mechanism: loss of function.

Submission:

Labcorp Genetics (formerly Invitae), Labcorp
Classification: Likely pathogenic for Osteogenesis imperfecta type I. Last evaluated: 2021-11-01. Review status: criteria provided, single submitter. Criteria: Invitae Variant Classification Sherloc (09022015). Collection method: clinical testing. Allele origin: germline.
Comment: This variant is not present in population databases (gnomAD no frequency). In summary, the currently available evidence indicates that the variant is pathogenic, but additional data are needed to prove that conclusively. Therefore, this variant has been classified as Likely Pathogenic. Algorithms developed to predict the effect of sequence changes on RNA splicing suggest that this variant may disrupt the consensus splice site. This variant has not been reported in the literature in individuals affected with COL1A1-related conditions. This sequence change affects a splice site in intron 38 of the COL1A1 gene. It is expected to disrupt RNA splicing. Variants that disrupt the donor or acceptor splice site typically lead to a loss of protein function (PMID: 16199547), and loss-of-function variants in COL1A1 are known to be pathogenic (PMID: 7942841, 9295084, 9443882).

Literature cited by the submitters: PubMed 16199547; PubMed 7942841; PubMed 9295084; PubMed 9443882.

NM_000088.4(COL1A1):c.2667+1_2667+2del

Gene: COL1A1 (collagen type I alpha 1 chain; minus strand). Cytogenetic location: 17q21.33.
Variant type: Deletion.
Coding change: c.2667+1_2667+2del on transcript NM_000088.4 (MANE Select); the canonical splice donor site of the intron after coding-DNA position 2667, 2 bases deleted (GT; older notation c.2667+1_2667+2delGT).
Molecular consequence: splice donor variant.
Genome position (GRCh38, 1-based): chr17:50,189,677-50,189,678, AC deleted on the plus strand (GT on the coding strand, the reverse complement: COL1A1 is on the minus strand); deleting any 2 consecutive bases within chr17:50,189,677-50,189,679 gives the same sequence; the c. name uses the placement nearest the transcript's 3' end. VCF-style (leftmost placement, unchanged base first): chr17-50189676-TAC-T. GRCh37 (hg19) VCF-style: chr17-48267037-TAC-T.
Identifiers: ClinVar variation 1479930 (VCV001479930.6), dbSNP rs2144551340, ClinGen allele CA2573154224.